The following is an entry in ClinVar:

ClinVar aggregate classification (germline): Benign/Likely benign. Review status: criteria provided, multiple submitters, no conflicts (2 of 4 stars). 9 submissions from 9 submitters: Benign (7); Likely benign (2). Last evaluated 2026-02-03.

Conditions:
Inborn genetic diseases. Identifiers: MedGen C0950123, MeSH D030342.
Charcot-Marie-Tooth disease type 2. Also called: Charcot-Marie-Tooth type 2. Identifiers: Orphanet 64746, MedGen C0270914, MONDO:0018993.
Developmental and epileptic encephalopathy, 29 (DEE29). Also called: Epileptic encephalopathy, early infantile, 29. Identifiers: Orphanet 442835, MedGen C4225361, MONDO:0014593, OMIM 616339.
Leukoencephalopathy, hereditary diffuse, with spheroids 2 (HDLS2). Also called: LEUKOENCEPHALOPATHY, HEREDITARY DIFFUSE, WITH SPHEROIDS, SWEDISH TYPE. Identifiers: MedGen C5562044, MONDO:0030634, OMIM 619661.
Trichothiodystrophy 8, nonphotosensitive. Identifiers: MedGen C5562057, MONDO:0030517, OMIM 619691.
Charcot-Marie-Tooth disease axonal type 2N (CMT2N). Also called: Charcot-Marie-Tooth Neuropathy Type 2N; CHARCOT-MARIE-TOOTH DISEASE, AXONAL, AUTOSOMAL DOMINANT, TYPE 2N; CHARCOT-MARIE-TOOTH NEUROPATHY, AXONAL, TYPE 2N. Identifiers: Orphanet 228174, MedGen C2750090, MONDO:0013212, OMIM 613287.

Allele frequency attached by ClinVar (database versions not stated): gnomAD 0.00667 and 0.00646; 1000 Genomes Project 0.00459; TOPMed 0.00668; gnomAD exomes 0.00907 and 0.01042; ESP Exome Variant Server 0.00662; 1000 Genomes Project 30x 0.00453; ExAC 0.00886.
gnomAD v4.1: 16,262 of 1,614,018 alleles (1%); highest among the groups gnomAD compares: South Asian, 2.3%; 129 homozygotes.

Submissions (9):

Labcorp Genetics (formerly Invitae), Labcorp
Classification: Benign for Charcot-Marie-Tooth disease type 2. Last evaluated: 2026-02-03. Review status: criteria provided, single submitter. Criteria: Invitae Variant Classification Sherloc (09022015). Collection method: clinical testing. Allele origin: germline.

ARUP Laboratories, Molecular Genetics and Genomics, ARUP Laboratories
Classification: Benign. Last evaluated: 2025-07-14. Review status: criteria provided, single submitter. Criteria: ARUP Molecular Germline Variant Investigation Process 2024. Collection method: clinical testing. Allele origin: germline.

Fulgent Genetics
Classification: Likely benign for Charcot-Marie-Tooth disease axonal type 2N; Developmental and epileptic encephalopathy, 29; Leukoencephalopathy, hereditary diffuse, with spheroids 2; Trichothiodystrophy 8, nonphotosensitive. Last evaluated: 2021-09-13. Review status: criteria provided, single submitter. Criteria: ACMG Guidelines, 2015. Collection method: clinical testing. Allele origin: unknown.

Ambry Genetics
Classification: Likely benign for Inborn genetic diseases. Last evaluated: 2019-07-11. Review status: criteria provided, single submitter. Criteria: Ambry Variant Classification Scheme 2023. Collection method: clinical testing. Allele origin: germline.

Illumina Laboratory Services, Illumina
Classification: Benign for Charcot-Marie-Tooth disease axonal type 2N. Last evaluated: 2018-01-13. Review status: criteria provided, single submitter. Criteria: ICSL Variant Classification Criteria 13 December 2019. Collection method: clinical testing. Allele origin: germline.
Comment: This variant was observed in the ICSL laboratory as part of a predisposition screen in an ostensibly healthy population. It had not been previously curated by ICSL or reported in the Human Gene Mutation Database (HGMD: prior to June 1st, 2018), and was therefore a candidate for classification through an automated scoring system. Utilizing variant allele frequency, disease prevalence and penetrance estimates, and inheritance mode, an automated score was calculated to assess if this variant is too frequent to cause the disease. Based on the score and internal cut-off values, a variant classified as benign is not then subjected to further curation. The score for this variant resulted in a classification of benign for this disease.

Mayo Clinic Laboratories, Mayo Clinic
Classification: Benign. Last evaluated: 2016-09-28. Review status: criteria provided, single submitter. Criteria: ACMG Guidelines, 2015. Collection method: clinical testing. Allele origin: germline. Observed: 40 variant alleles.

Eurofins Ntd Llc (ga)
Classification: Benign. Last evaluated: 2015-11-19. Review status: criteria provided, single submitter. Criteria: EGL Classification Definitions 2015. Collection method: clinical testing. Allele origin: germline. Observed: 1 variant allele, 1 heterozygote.

GeneDx
Classification: Benign. Last evaluated: 2015-03-03. Review status: criteria provided, single submitter. Criteria: GeneDx Variant Classification Process June 2021. Collection method: clinical testing. Allele origin: germline. Affected: yes.

Breakthrough Genomics
Classification: Benign. Review status: criteria provided, single submitter. Criteria: ACMG Guidelines, 2015. Collection method: not provided. Allele origin: germline. Inheritance: Autosomal recessive inheritance. Affected: yes.

NM_001605.3(AARS1):c.1404C>T (p.Tyr468=)

Gene: AARS1 (alanyl-tRNA synthetase 1; minus strand). Cytogenetic location: 16q22.1.
Variant type: single nucleotide variant.
Coding change: c.1404C>T on transcript NM_001605.3 (MANE Select); coding-DNA position 1404, C replaced by T.
Protein change: p.Tyr468=; no amino-acid change (tyrosine 468 retained).
Molecular consequence: synonymous variant.
Genome position (GRCh38, 1-based): chr16:70,265,046, G>A on the plus strand (C>T on the coding strand, the complement: AARS1 is on the minus strand). VCF-style: chr16-70265046-G-A. GRCh37 (hg19) VCF-style: chr16-70298949-G-A.
Other names: p.Tyr468=.
Identifiers: ClinVar variation 239030 (VCV000239030.69), dbSNP rs117598688, ClinGen allele CA8140824.